The following is an entry in ClinVar:

ClinVar aggregate classification (germline): Uncertain significance. Review status: criteria provided, multiple submitters, no conflicts (2 of 4 stars). 3 submissions from 3 submitters: Uncertain significance (3). Last evaluated 2026-01-06.

Conditions:
RASopathy. Also called: rasopathies; Noonan spectrum disorder. Identifiers: Orphanet 536391, MedGen C5555857, MONDO:0021060.

Allele frequency attached by ClinVar (database versions not stated): gnomAD exomes 0.00001.
gnomAD v4.1: 3 of 1,610,292 alleles (0.00019%); highest among the groups gnomAD compares: South Asian, 0.0022%; no homozygotes.

Submissions (3):

Labcorp Genetics (formerly Invitae), Labcorp
Classification: Uncertain significance for RASopathy. Last evaluated: 2026-01-06. Review status: criteria provided, single submitter. Criteria: Invitae Variant Classification Sherloc (09022015). Collection method: clinical testing. Allele origin: germline.
Comment: This sequence change falls in intron 4 of the CBL gene. It does not directly change the encoded amino acid sequence of the CBL protein. It affects a nucleotide within the consensus splice site. This variant is not present in population databases (gnomAD no frequency). This variant has not been reported in the literature in individuals affected with CBL-related conditions. ClinVar contains an entry for this variant (Variation ID: 650631). Variants that disrupt the consensus splice site are a relatively common cause of aberrant splicing (PMID: 17576681, 9536098). Algorithms developed to predict the effect of sequence changes on RNA splicing suggest that this variant is not likely to affect RNA splicing. In summary, the available evidence is currently insufficient to determine the role of this variant in disease. Therefore, it has been classified as a Variant of Uncertain Significance.

Women's Health and Genetics/Laboratory Corporation of America, LabCorp
Classification: Uncertain significance. Last evaluated: 2023-08-24. Review status: criteria provided, single submitter. Criteria: LabCorp Variant Classification Summary - May 2015. Collection method: clinical testing. Allele origin: germline.
Comment: Variant summary: CBL c.747+3A>G alters a conserved nucleotide located close to a canonical splice site and therefore could affect mRNA splicing, leading to a significantly altered protein sequence. Several computational tools predict a significant impact on normal splicing: Two predict the variant weakens a 5' donor site, and one predicts the variant abolishes a 5' splicing donor site. However, these predictions have yet to be confirmed by functional studies. The variant was absent in 251016 control chromosomes. The available data on variant occurrences in the general population are insufficient to allow any conclusion about variant significance. To our knowledge, no occurrence of c.747+3A>G in individuals affected with Noonan Syndrome And Related Conditions and no experimental evidence demonstrating its impact on protein function have been reported. One submitter has cited clinical-significance assessments for this variant to ClinVar after 2014 and has classified the variant as uncertain significance. Based on the evidence outlined above, the variant was classified as uncertain significance.

Breakthrough Genomics
Classification: Uncertain significance. Review status: criteria provided, single submitter. Criteria: ACMG Guidelines, 2015. Collection method: not provided. Allele origin: germline. Inheritance: Autosomal dominant inheritance. Affected: yes.

Literature cited by the submitters: PubMed 17576681 (cited by Labcorp Genetics (formerly Invitae), Labcorp); PubMed 9536098 (cited by Labcorp Genetics (formerly Invitae), Labcorp).

NM_005188.4(CBL):c.747+3A>G

Gene: CBL (Cbl proto-oncogene; plus strand). Cytogenetic location: 11q23.3.
Variant type: single nucleotide variant.
Coding change: c.747+3A>G on transcript NM_005188.4 (MANE Select); 3 bases into the intron after coding-DNA position 747, A replaced by G.
Molecular consequence: intron variant.
Genome position (GRCh38, 1-based): chr11:119,274,027, A>G. VCF-style: chr11-119274027-A-G. GRCh37 (hg19) VCF-style: chr11-119144737-A-G.
Identifiers: ClinVar variation 650631 (VCV000650631.8), dbSNP rs1592398477, ClinGen allele CA915947806.